The following is an entry in ClinVar:

NM_001384732.1(CPLANE1):c.1041_1044dup (p.Thr349fs)

Gene: CPLANE1 (ciliogenesis and planar polarity effector complex subunit 1; minus strand). Cytogenetic location: 5p13.2.
Variant type: Duplication.
Coding change: c.1041_1044dup on transcript NM_001384732.1 (MANE Select); coding-DNA positions 1041 to 1044, 4 bases duplicated (GCTA; older notation c.1041_1044dupGCTA).
Protein change: p.Thr349fs; shifts the reading frame from threonine 349.
Molecular consequence: frameshift variant.
Genome position (GRCh38, 1-based): chr5:37,230,944-37,230,947, TAGC duplicated on the plus strand (GCTA on the coding strand, the reverse complement: CPLANE1 is on the minus strand). VCF-style (leftmost placement, unchanged base first): chr5-37230943-T-TTAGC. GRCh37 (hg19) VCF-style: chr5-37231045-T-TTAGC.
Other names: c.1041_1044dup, p.Thr349fs (NM_023073.4); short protein forms T349fs.
Identifiers: ClinVar variation 1352910 (VCV001352910.6), dbSNP rs2150517916, ClinGen allele CA2573139590.

ClinVar aggregate classification (germline): Pathogenic (1 of 4 stars; one submission).

Submission:

Labcorp Genetics (formerly Invitae), Labcorp
Classification: Pathogenic. Last evaluated: 2021-05-05. Review status: criteria provided, single submitter. Criteria: Invitae Variant Classification Sherloc (09022015). Collection method: clinical testing. Allele origin: germline.
Comment: For these reasons, this variant has been classified as Pathogenic. This variant has not been reported in the literature in individuals with CPLANE1-related conditions. This variant is not present in population databases (ExAC no frequency). This sequence change creates a premature translational stop signal (p.Thr349Alafs*27) in the CPLANE1 gene. It is expected to result in an absent or disrupted protein product. Loss-of-function variants in CPLANE1 are known to be pathogenic (PMID: 24178751, 26092869).

Literature cited by the submitters: PubMed 24178751; PubMed 26092869.